The following is an entry in ClinVar:

ClinVar aggregate classification (germline): Uncertain significance (1 of 4 stars; one submission).

gnomAD v4.1: 2 of 1,613,412 alleles (0.00012%); highest among the groups gnomAD compares: Admixed American, 0.0033%; no homozygotes.

Submission:

Labcorp Genetics (formerly Invitae), Labcorp
Classification: Uncertain significance. Last evaluated: 2025-12-18. Review status: criteria provided, single submitter. Criteria: Invitae Variant Classification Sherloc (09022015). Collection method: clinical testing. Allele origin: germline.
Comment: This sequence change replaces lysine, which is basic and polar, with asparagine, which is neutral and polar, at codon 99 of the MTTP protein (p.Lys99Asn). This variant is present in population databases (no rsID available, gnomAD 0.006%). This variant has not been reported in the literature in individuals affected with MTTP-related conditions. Invitae Evidence Modeling of protein sequence and biophysical properties (such as structural, functional, and spatial information, amino acid conservation, physicochemical variation, residue mobility, and thermodynamic stability) indicates that this missense variant is not expected to disrupt MTTP protein function with a negative predictive value of 80%. In summary, the available evidence is currently insufficient to determine the role of this variant in disease. Therefore, it has been classified as a Variant of Uncertain Significance.

NM_001386140.1(MTTP):c.297G>C (p.Lys99Asn)

Gene: MTTP (microsomal triglyceride transfer protein; plus strand). Cytogenetic location: 4q23.
Variant type: single nucleotide variant.
Coding change: c.297G>C on transcript NM_001386140.1 (MANE Select); coding-DNA position 297, G replaced by C.
Protein change: p.Lys99Asn; replaces lysine 99 with asparagine.
Molecular consequence: missense variant.
Genome position (GRCh38, 1-based): chr4:99,583,421, G>C. VCF-style: chr4-99583421-G-C. GRCh37 (hg19) VCF-style: chr4-100504578-G-C.
Other names: c.297G>C, p.Lys99Asn (NM_000253.4); c.48G>C, p.Lys16Asn (NM_001300785.2); short protein forms K16N, K99N.
Identifiers: ClinVar variation 4705345 (VCV004705345.1).
Genomic context (GRCh38, chr4:99,583,421, plus strand): 5'-TCTGTTACTCCAGATGAAGGATGTAAATGTTGAAAATGTGAATCAGCAGAGAGGAGAGAA[G>C]AGCATCTTCAAAGGAAAAAGCCCATCTAAAATAATGGGAAAGGAAAACTTGGAAGCTCTG-3'
Protein context (NP_001373069.1, residues 89-109): VENVNQQRGE[Lys99Asn]SIFKGKSPSK